The following is an entry in ClinVar:

NM_001111.5(ADAR):c.2108A>C (p.Asp703Ala)

Gene: ADAR (adenosine deaminase RNA specific; minus strand). Cytogenetic location: 1q21.3.
Variant type: single nucleotide variant.
Coding change: c.2108A>C on transcript NM_001111.5 (MANE Select); coding-DNA position 2108, A replaced by C.
Protein change: p.Asp703Ala; replaces aspartic acid 703 with alanine.
Molecular consequence: missense variant. On other transcripts: intron variant (1).
Genome position (GRCh38, 1-based): chr1:154,596,967, T>G on the plus strand (A>C on the coding strand, the complement: ADAR is on the minus strand). VCF-style: chr1-154596967-T-G. GRCh37 (hg19) VCF-style: chr1-154569443-T-G.
Other names: c.1223A>C, p.Asp408Ala (NM_001025107.3, NM_001193495.2, NM_001365046.1 and 3 more transcripts); c.2135A>C, p.Asp712Ala (NM_001365045.1); c.2108A>C, p.Asp703Ala (NM_015840.4); c.2080-29A>C (NM_015841.4); short protein forms D703A, D712A, D408A.
Identifiers: ClinVar variation 1485346 (VCV001485346.8), dbSNP rs2101619884, ClinGen allele CA342638003.

ClinVar aggregate classification (germline): Uncertain significance (1 of 4 stars; one submission).

Conditions:
Aicardi-Goutieres syndrome 6 (AGS6). Identifiers: Orphanet 51, MedGen C3539013, MONDO:0014007, OMIM 615010.
Symmetrical dyschromatosis of extremities (DSH). Also called: Dyschromatosis symmetrica hereditaria; DYSCHROMATOSIS SYMMETRICA HEREDITARIA 1; RETICULATE ACROPIGMENTATION OF DOHI; SYMMETRIC DYSCHROMATOSIS OF THE EXTREMITIES. Identifiers: Orphanet 41, MedGen C0406775, MONDO:0007483, OMIM 127400.

Submission:

Labcorp Genetics (formerly Invitae), Labcorp
Classification: Uncertain significance for Aicardi-Goutieres syndrome 6; Symmetrical dyschromatosis of extremities. Last evaluated: 2022-10-13. Review status: criteria provided, single submitter. Criteria: Invitae Variant Classification Sherloc (09022015). Collection method: clinical testing. Allele origin: germline.
Comment: Advanced modeling of protein sequence and biophysical properties (such as structural, functional, and spatial information, amino acid conservation, physicochemical variation, residue mobility, and thermodynamic stability) performed at Invitae indicates that this missense variant is not expected to disrupt ADAR protein function. ClinVar contains an entry for this variant (Variation ID: 1485346). This variant has not been reported in the literature in individuals affected with ADAR-related conditions. This variant is not present in population databases (gnomAD no frequency). This sequence change replaces aspartic acid, which is acidic and polar, with alanine, which is neutral and non-polar, at codon 703 of the ADAR protein (p.Asp703Ala). Algorithms developed to predict the effect of sequence changes on RNA splicing suggest that this variant may create or strengthen a splice site. In summary, the available evidence is currently insufficient to determine the role of this variant in disease. Therefore, it has been classified as a Variant of Uncertain Significance.